The following is an entry in ClinVar:

NM_000231.3(SGCG):c.82A>C (p.Ile28Leu)

Gene: SGCG (sarcoglycan gamma; plus strand). Cytogenetic location: 13q12.12.
Variant type: single nucleotide variant.
Coding change: c.82A>C on transcript NM_000231.3 (MANE Select); coding-DNA position 82, A replaced by C.
Protein change: p.Ile28Leu; replaces isoleucine 28 with leucine.
Molecular consequence: missense variant.
Genome position (GRCh38, 1-based): chr13:23,203,776, A>C. VCF-style: chr13-23203776-A-C. GRCh37 (hg19) VCF-style: chr13-23777915-A-C.
Other names: c.136A>C, p.Ile46Leu (NM_001378244.1); c.82A>C, p.Ile28Leu (NM_001378245.1, NM_001378246.1); short protein forms I46L, I28L.
Identifiers: ClinVar variation 2072552 (VCV002072552.1), dbSNP rs999585272, ClinGen allele CA246628948.

ClinVar aggregate classification (germline): Uncertain significance (1 of 4 stars; one submission).

Conditions:
Autosomal recessive limb-girdle muscular dystrophy type 2C (LGMDR5). Also called: MUSCULAR DYSTROPHY, LIMB-GIRDLE, AUTOSOMAL RECESSIVE 5; MUSCULAR DYSTROPHY, DUCHENNE-LIKE. Identifiers: Orphanet 353, MedGen C0410173, MONDO:0009677, OMIM 253700. Disease mechanism: Affects gamma-sarcoglycan and also disrupts the integrity of the entire sarcoglycan complex..

Allele frequency attached by ClinVar (database versions not stated): gnomAD exomes below 0.00001; TOPMed 0.00005; gnomAD 0.00006.
gnomAD v4.1: 16 of 1,613,900 alleles (0.00099%); highest among the groups gnomAD compares: African/African-American, 0.02%; no homozygotes.

Submission:

Labcorp Genetics (formerly Invitae), Labcorp
Classification: Uncertain significance for Autosomal recessive limb-girdle muscular dystrophy type 2C. Last evaluated: 2022-08-16. Review status: criteria provided, single submitter. Criteria: Invitae Variant Classification Sherloc (09022015). Collection method: clinical testing. Allele origin: germline.
Comment: This sequence change replaces isoleucine, which is neutral and non-polar, with leucine, which is neutral and non-polar, at codon 28 of the SGCG protein (p.Ile28Leu). This variant is present in population databases (no rsID available, gnomAD 0.02%). This variant has not been reported in the literature in individuals affected with SGCG-related conditions. Algorithms developed to predict the effect of missense changes on protein structure and function are either unavailable or do not agree on the potential impact of this missense change (SIFT: "Tolerated"; PolyPhen-2: "Possibly Damaging"; Align-GVGD: "Class C0"). In summary, the available evidence is currently insufficient to determine the role of this variant in disease. Therefore, it has been classified as a Variant of Uncertain Significance.